The following is an entry in ClinVar:

NM_000157.4(GBA1):c.589-2A>G

Genes: GBA1 (glucosylceramidase beta 1; minus strand), LOC106627981 (GBA recombination region; plus strand). Cytogenetic location: 1q22.
Variant type: single nucleotide variant.
Coding change: c.589-2A>G on transcript NM_000157.4 (MANE Select); the canonical splice acceptor site of the intron before coding-DNA position 589, A replaced by G.
Molecular consequence: splice acceptor variant.
Genome position (GRCh38, 1-based): chr1:155,238,308, T>C on the plus strand (A>G on the coding strand, the complement: GBA1 is on the minus strand). VCF-style: chr1-155238308-T-C. GRCh37 (hg19) VCF-style: chr1-155208099-T-C.
Other names: c.328-2A>G (NM_001171811.2); c.589-2A>G (NM_001005742.3, NM_001005741.3); c.442-2A>G (NM_001171812.2).
Identifiers: ClinVar variation 4817781 (VCV004817781.1).

ClinVar aggregate classification (germline): Pathogenic (1 of 4 stars; one submission).

Conditions:
Gaucher disease. Also called: Acute cerebral Gaucher disease; Cerebroside lipidosis syndrome; Gaucher splenomegaly; Sphingolipidosis 1; Glucocerebrosidosis; Glucosylceramidase deficiency. Identifiers: Orphanet 355, MedGen C0017205, MONDO:0018150.

gnomAD v4.1: 2 of 1,570,968 alleles (0.00013%); highest among the groups gnomAD compares: Non-Finnish European, 0.00017%; no homozygotes.

Submission:

Natera, Inc.
Classification: Pathogenic for Gaucher disease. Last evaluated: 2024-07-08. Review status: criteria provided, single submitter. Criteria: Natera Variant Classification Schema (03/2026). Collection method: clinical testing. Allele origin: germline.
Comment: The c.589-2A>G variant in GBA1 is a canonical splice acceptor site variant predicted to affect pre-mRNA splicing, which may result in an abnormal transcript and altered protein product. This variant is expected to result in nonsense mediated decay, truncation, or a dysfunctional protein product. This variant is rare in the general population with a frequency below the threshold expected for the associated phenotype(s). This variant has been observed in one or more individuals affected with the associated recessive disease, as either homozygous or compound heterozygous with a second variant (PMID: 34649574, 36735655). Given the available evidence, this variant is classified as Pathogenic.

Literature cited by the submitters: PubMed 34649574; PubMed 36735655.